The following is an entry in ClinVar:

ClinVar aggregate classification (germline): Benign. Review status: criteria provided, multiple submitters, no conflicts (2 of 4 stars). 4 submissions from 4 submitters: Benign (3). 1 of the submissions does not count toward it. Last evaluated 2026-02-03.

Conditions:
Intellectual developmental disorder, autosomal dominant 46. Also called: MENTAL RETARDATION, AUTOSOMAL DOMINANT 46; Intellectual disability, autosomal dominant 46. Identifiers: MedGen C4539851, MONDO:0030911, OMIM 617601.
KCNQ5-related disorder. Also called: KCNQ5-related condition.

Allele frequency attached by ClinVar (database versions not stated): 1000 Genomes Project 30x 0.10978; ESP Exome Variant Server 0.14534; TOPMed 0.16271; 1000 Genomes Project 0.10543.
gnomAD v4.1: 321,918 of 1,484,034 alleles (22%); highest among the groups gnomAD compares: Middle Eastern, 25%; 37,164 homozygotes.

Submissions (4):

Labcorp Genetics (formerly Invitae), Labcorp
Classification: Benign. Last evaluated: 2026-02-03. Review status: criteria provided, single submitter. Criteria: Invitae Variant Classification Sherloc (09022015). Collection method: clinical testing. Allele origin: germline.

Genome-Nilou Lab
Classification: Benign for Intellectual developmental disorder, autosomal dominant 46. Last evaluated: 2021-08-19. Review status: criteria provided, single submitter. Criteria: ACMG Guidelines, 2015. Collection method: clinical testing. Allele origin: germline. Affected: no.

GeneDx
Classification: Benign. Last evaluated: 2019-04-10. Review status: criteria provided, single submitter. Criteria: GeneDx Variant Classification Process June 2021. Collection method: clinical testing. Allele origin: germline. Affected: yes.

PreventionGenetics, part of Exact Sciences
Classification: Benign for KCNQ5-related condition. Last evaluated: 2019-10-29. Review status: no assertion criteria provided. Collection method: clinical testing. Allele origin: germline. Not counted in ClinVar's aggregate classification.
Comment: This variant is classified as benign based on ACMG/AMP sequence variant interpretation guidelines (Richards et al. 2015 PMID: 25741868, with internal and published modifications).

NM_019842.4(KCNQ5):c.204C>T (p.Leu68=)

Genes: KCNQ5 (potassium voltage-gated channel subfamily Q member 5; plus strand), KCNQ5-DT (KCNQ5 divergent transcript; minus strand). Cytogenetic location: 6q13.
Variant type: single nucleotide variant.
Coding change: c.204C>T on transcript NM_019842.4 (MANE Select); coding-DNA position 204, C replaced by T.
Protein change: p.Leu68=; no amino-acid change (leucine 68 retained).
Molecular consequence: synonymous variant.
Genome position (GRCh38, 1-based): chr6:72,622,393, C>T. VCF-style: chr6-72622393-C-T. GRCh37 (hg19) VCF-style: chr6-73332121-C-T.
Other names: c.204C>T, p.Leu68= (NM_001160130.2, NM_001160132.2, NM_001160133.2 and 1 more transcripts).
Identifiers: ClinVar variation 1239045 (VCV001239045.15), dbSNP rs34821312, ClinGen allele CA3886689.